The following is an entry in ClinVar:

NM_000059.4(BRCA2):c.713A>T (p.Glu238Val)

Gene: BRCA2 (BRCA2 DNA repair associated; plus strand). Cytogenetic location: 13q13.1.
Variant type: single nucleotide variant.
Coding change: c.713A>T on transcript NM_000059.4 (MANE Select); coding-DNA position 713, A replaced by T.
Protein change: p.Glu238Val; replaces glutamic acid 238 with valine.
Molecular consequence: missense variant.
Genome position (GRCh38, 1-based): chr13:32,330,950, A>T. VCF-style: chr13-32330950-A-T. GRCh37 (hg19) VCF-style: chr13-32905087-A-T.
Other names: short protein forms E238V.
Identifiers: ClinVar variation 1515614 (VCV001515614.6), dbSNP rs2072385381, ClinGen allele CA387759953.

ClinVar aggregate classification (germline): Uncertain significance (1 of 4 stars; one submission).

Conditions:
Hereditary breast ovarian cancer syndrome. Also called: Hereditary breast and/or ovarian cancer syndrome; Breast and ovarian cancer; Hereditary breast and ovarian cancer; BRCA1- and BRCA2-Associated Hereditary Breast and Ovarian Cancer; Hereditary breast and ovarian cancer syndrome; Hereditary breast and ovarian cancer syndrome (HBOC). Identifiers: Orphanet 145, MedGen C0677776, MeSH D061325, MONDO:0003582. Disease mechanism: loss of function.

Submission:

Labcorp Genetics (formerly Invitae), Labcorp
Classification: Uncertain significance for Hereditary breast ovarian cancer syndrome. Last evaluated: 2021-08-27. Review status: criteria provided, single submitter. Criteria: Invitae Variant Classification Sherloc (09022015). Collection method: clinical testing. Allele origin: germline.
Comment: In summary, the available evidence is currently insufficient to determine the role of this variant in disease. Therefore, it has been classified as a Variant of Uncertain Significance. This sequence change replaces glutamic acid with valine at codon 238 of the BRCA2 protein (p.Glu238Val). The glutamic acid residue is moderately conserved and there is a moderate physicochemical difference between glutamic acid and valine. This variant is not present in population databases (ExAC no frequency). This variant has not been reported in the literature in individuals affected with BRCA2-related conditions. Advanced modeling of protein sequence and biophysical properties (such as structural, functional, and spatial information, amino acid conservation, physicochemical variation, residue mobility, and thermodynamic stability) performed at Invitae indicates that this missense variant is not expected to disrupt BRCA2 protein function. Algorithms developed to predict the effect of sequence changes on RNA splicing suggest that this variant may create or strengthen a splice site.